The following is an entry in ClinVar:

ClinVar aggregate classification (germline): Uncertain significance (1 of 4 stars; one submission).

Conditions:
Familial adenomatous polyposis 2. Also called: MYH-associated polyposis; FAP type 2; COLORECTAL ADENOMATOUS POLYPOSIS, AUTOSOMAL RECESSIVE; ADENOMAS, MULTIPLE COLORECTAL, AUTOSOMAL RECESSIVE; MUTYH-related attenuated familial adenomatous polyposis; MUTYH Polyposis. Identifiers: Orphanet 220460, Orphanet 247798, MedGen C3272841, MONDO:0012041, OMIM 608456.

Submission:

Labcorp Genetics (formerly Invitae), Labcorp
Classification: Uncertain significance for Familial adenomatous polyposis 2. Last evaluated: 2018-02-13. Review status: criteria provided, single submitter. Criteria: Invitae Variant Classification Sherloc (09022015). Collection method: clinical testing. Allele origin: germline.
Comment: This variant is a gross duplication of the genomic region encompassing exons 2-14 of the MUTYH gene. While the exact position of the duplicated exons cannot be determined from this data, sub-genic duplications are generally in tandem (PMID: 25640679). This duplication would be expected to be in-frame, preserving the integrity of the reading frame. Duplication of exons 2-14 has not been reported in the literature in individuals with MUTYH-related disease. In summary, the available evidence is currently insufficient to determine the role of this variant in disease. Therefore, it has been classified as a Variant of Uncertain Significance.

Literature cited by the submitters: PubMed 25640679.

NC_000001.10:g.(?_45796848)_(45800189_?)dup

Gene: MUTYH (mutY DNA glycosylase; minus strand). Cytogenetic location: 1p34.1.
Variant type: Duplication.
Identifiers: ClinVar variation 583938 (VCV000583938.5).